The following is an entry in ClinVar:

NM_001377.3(DYNC2H1):c.6961C>T (p.Gln2321Ter)

Gene: DYNC2H1 (dynein cytoplasmic 2 heavy chain 1; plus strand). Cytogenetic location: 11q22.3.
Variant type: single nucleotide variant.
Coding change: c.6961C>T on transcript NM_001377.3 (MANE Select); coding-DNA position 6961, C replaced by T.
Protein change: p.Gln2321Ter; replaces glutamine 2321 with a stop codon.
Molecular consequence: nonsense.
Genome position (GRCh38, 1-based): chr11:103,187,407, C>T. VCF-style: chr11-103187407-C-T. GRCh37 (hg19) VCF-style: chr11-103058136-C-T.
Other names: c.6961C>T, p.Gln2321Ter (NM_001080463.2); short protein forms Q2321*.
Identifiers: ClinVar variation 3901971 (VCV003901971.2).

ClinVar aggregate classification (germline): Pathogenic/Likely pathogenic. Review status: criteria provided, multiple submitters, no conflicts (2 of 4 stars). 2 submissions from 2 submitters: Pathogenic (1); Likely pathogenic (1). Last evaluated 2025-07-15.

Conditions:
Asphyxiating thoracic dystrophy 3. Also called: SHORT-RIB THORACIC DYSPLASIA 3/6 WITH POLYDACTYLY, DIGENIC; Short rib polydactyly syndrome 2B; SHORT-RIB THORACIC DYSPLASIA 3 WITH OR WITHOUT POLYDACTYLY; POLYDACTYLY WITH NEONATAL CHONDRODYSTROPHY, TYPE I; Saldino-Noonan Syndrome. Identifiers: Orphanet 474, Orphanet 93269, Orphanet 93270, Orphanet 93271, MedGen C0036069, MONDO:0013127, OMIM 613091.

Submissions (2):

Myriad Genetics, Inc.
Classification: Pathogenic for Asphyxiating thoracic dystrophy 3. Last evaluated: 2025-07-15. Review status: criteria provided, single submitter. Criteria: Myriad Autosomal Dominant, Autosomal Recessive and X-Linked Classification Criteria (2023). Collection method: clinical testing. Allele origin: unknown.
Comment: NM_001377.2(DYNC2H1):c.6961C>T(Q2321*) is expected to be pathogenic in the context of DYNC2H1-related disorders. This variant is predicted to lead to an abnormal or absent protein product due to the creation of a premature termination codon in DYNC2H1, a gene where loss-of-function variants are known to be pathogenic. Please note: this variant was assessed in the context of healthy population screening.

Laboratorio de Genetica e Diagnostico Molecular, Hospital Israelita Albert Einstein
Classification: Likely pathogenic for Asphyxiating thoracic dystrophy 3. Last evaluated: 2024-08-13. Review status: criteria provided, single submitter. Criteria: ACMG Guidelines, 2015. Collection method: clinical testing. Allele origin: germline. Affected: yes.
Comment: ACMG classification criteria: PVS1 very strong, PM2 supporting